The following is an entry in ClinVar:

ClinVar aggregate classification (germline): Pathogenic. Review status: criteria provided, multiple submitters, no conflicts (2 of 4 stars). 2 submissions from 2 submitters: Pathogenic (2). Last evaluated 2020-05-21.

Conditions:
Bohring-Opitz syndrome. Also called: OPITZ TRIGONOCEPHALY-LIKE SYNDROME; C-LIKE SYNDROME; BOHRING SYNDROME; ASXL1-Related Bohring-Opitz Syndrome. Identifiers: Orphanet 97297, MedGen C0796232, MONDO:0011510, OMIM 605039.

Allele frequency attached by ClinVar (database versions not stated): gnomAD exomes below 0.00001.
gnomAD v4.1: 1 of 1,613,406 alleles (0.000062%); highest among the groups gnomAD compares: Non-Finnish European, 0.000085%; no homozygotes.

Submissions (2):

Victorian Clinical Genetics Services, Murdoch Childrens Research Institute
Classification: Pathogenic for Bohring-Opitz syndrome. Last evaluated: 2020-05-21. Review status: criteria provided, single submitter. Criteria: ACMG Guidelines, 2015. Collection method: clinical testing. Allele origin: germline. Inheritance: Autosomal dominant inheritance. Affected: yes.
Comment: Based on the classification scheme VCGS_Germline_v1.1.1, this variant is classified as Pathogenic. Following criteria are met: 0102 - Loss-of-function is a known mechanism of disease for this gene. (N) 0107 - This gene is known to be associated with autosomal dominant disease. (N) 0204 - Variant is predicted to result in a truncated protein with more than 1/3 of the protein affected (exon 13 of 13). (P) 0251 - Variant is heterozygous. (N) 0302 - Variant is present in gnomAD <0.001 for a dominant condition (1 heterozygous, 0 homozygous). (P) 0600 - Variant is predicted to result in loss of an annotated domain or motif (PHD domain of transcriptional enhancer; NCBI, Decipher, PDB). (N) 0701 - Comparable variants have very strong previous evidence for pathogenicity. Multiple truncating variants located downstream to this variant have been reported pathogenic in patients with Bohring-Opitz syndrome (Decipher, ClinVar, HGMD, PMID: 21706002). (P) 0803 - Low previous evidence of pathogenicity in unrelated individuals (ClinVar). (P) 0905 - No segregation evidence has been identified for this variant. (N) 1007 - No published functional evidence has been identified for this variant. (N) 1102 - Strong phenotype match. (P) 1208 - Inheritance information for this variant is not currently available. (N) Legend: (P) - Pathogenic, (N) - Neutral, (B) - Benign

GeneDx
Classification: Pathogenic. Last evaluated: 2016-01-06. Review status: criteria provided, single submitter. Criteria: GeneDx Variant Classification (06012015). Collection method: clinical testing. Allele origin: germline. Affected: yes.
Comment: The Q623X pathogenic variant in the ASXL1 gene has not been reported previously as a pathogenic variant nor as a benign variant, to our knowledge. This variant is predicted to cause loss of normal protein function through protein truncation. The Q623X variant was not observed in approximately 6,500 individuals of European and African American ancestry in the NHLBI Exome Sequencing Project, indicating it is not a common benign variant in these populations. We interpret Q623X as a pathogenic variant.

Literature cited by the submitters: PubMed 21706002 (cited by Victorian Clinical Genetics Services, Murdoch Childrens Research Institute).

NM_015338.6(ASXL1):c.1867C>T (p.Gln623Ter)

Gene: ASXL1 (ASXL transcriptional regulator 1; plus strand). Cytogenetic location: 20q11.21.
Variant type: single nucleotide variant.
Coding change: c.1867C>T on transcript NM_015338.6 (MANE Select); coding-DNA position 1867, C replaced by T.
Protein change: p.Gln623Ter; replaces glutamine 623 with a stop codon.
Molecular consequence: nonsense.
Genome position (GRCh38, 1-based): chr20:32,434,579, C>T. VCF-style: chr20-32434579-C-T. GRCh37 (hg19) VCF-style: chr20-31022382-C-T.
Other names: c.1684C>T, p.Gln562Ter (NM_001363734.1); short protein forms Q623*, Q562*.
Identifiers: ClinVar variation 280228 (VCV000280228.3), dbSNP rs111316898, ClinGen allele CA10603665.